The following is an entry in ClinVar:

ClinVar aggregate classification (germline): Likely benign. Review status: criteria provided, multiple submitters, no conflicts (2 of 4 stars). 3 submissions from 3 submitters: Likely benign (3). Last evaluated 2025-11-01.

Conditions:
Inborn genetic diseases. Identifiers: MedGen C0950123, MeSH D030342.
Hyperkalemic periodic paralysis. Also called: Familial hyperkalemic periodic paralysis; Gamstorp disease. Identifiers: Orphanet 682, MedGen C0238357, MONDO:0008224, OMIM 170500, HP:0007215.

Allele frequency attached by ClinVar (database versions not stated): gnomAD exomes 0.00002 and 0.00006; TOPMed 0.00002; gnomAD 0.00003 and 0.00004; ExAC 0.00010; 1000 Genomes Project 30x 0.00016; 1000 Genomes Project 0.00020.

Submissions (3):

Labcorp Genetics (formerly Invitae), Labcorp
Classification: Likely benign for Hyperkalemic periodic paralysis. Last evaluated: 2025-11-01. Review status: criteria provided, single submitter. Criteria: Invitae Variant Classification Sherloc (09022015). Collection method: clinical testing. Allele origin: germline.

Ambry Genetics
Classification: Likely benign for Inborn genetic diseases. Last evaluated: 2024-09-04. Review status: criteria provided, single submitter. Criteria: Ambry Variant Classification Scheme 2023. Collection method: clinical testing. Allele origin: germline.

GeneDx
Classification: Likely benign. Last evaluated: 2019-07-03. Review status: criteria provided, single submitter. Criteria: GeneDx Variant Classification Process June 2021. Collection method: clinical testing. Allele origin: germline. Affected: yes.
Comment: See Variant Classification Assertion Criteria.

NM_000334.4(SCN4A):c.4704C>T (p.Cys1568=)

Genes: GH-LCR (growth hormone locus control region; plus strand), SCN4A (sodium voltage-gated channel alpha subunit 4; minus strand). Cytogenetic location: 17q23.3.
Variant type: single nucleotide variant.
Coding change: c.4704C>T on transcript NM_000334.4 (MANE Select); coding-DNA position 4704, C replaced by T.
Protein change: p.Cys1568=; no amino-acid change (cysteine 1568 retained).
Molecular consequence: synonymous variant.
Genome position (GRCh38, 1-based): chr17:63,941,578, G>A on the plus strand (C>T on the coding strand, the complement: SCN4A is on the minus strand). VCF-style: chr17-63941578-G-A. GRCh37 (hg19) VCF-style: chr17-62018938-G-A.
Identifiers: ClinVar variation 764883 (VCV000764883.12), dbSNP rs548305586, ClinGen allele CA8708914.